The following is an entry in ClinVar:

NM_001365951.3(KIF1B):c.4994A>C (p.Glu1665Ala)

Gene: KIF1B (kinesin family member 1B; plus strand). Cytogenetic location: 1p36.22.
Variant type: single nucleotide variant.
Coding change: c.4994A>C on transcript NM_001365951.3 (MANE Select); coding-DNA position 4994, A replaced by C.
Protein change: p.Glu1665Ala; replaces glutamic acid 1665 with alanine.
Molecular consequence: missense variant.
Genome position (GRCh38, 1-based): chr1:10,374,363, A>C. VCF-style: chr1-10374363-A-C. GRCh37 (hg19) VCF-style: chr1-10434421-A-C.
Other names: c.4994A>C, p.Glu1665Ala (NM_001365952.1); c.4856A>C, p.Glu1619Ala (NM_015074.3); short protein forms E1619A, E1665A.
Identifiers: ClinVar variation 5023179 (VCV005023179.1).

ClinVar aggregate classification (germline): Uncertain significance (1 of 4 stars; one submission).

Submission:

Ambry Genetics
Classification: Uncertain significance. Last evaluated: 2026-07-01. Review status: criteria provided, single submitter. Criteria: Ambry Variant Classification Scheme 2023. Collection method: clinical testing. Allele origin: germline.
Comment: The p.E1619A variant (also known as c.4856A>C), located in coding exon 43 of the KIF1B gene, results from an A to C substitution at nucleotide position 4856. The glutamic acid at codon 1619 is replaced by alanine, an amino acid with dissimilar properties. This amino acid position is conserved. In addition, the in silico prediction for this alteration is inconclusive. Based on the available evidence, the clinical significance of this variant remains unclear.